The following is an entry in ClinVar:

NM_001282874.2(SMARCA1):c.548T>C (p.Leu183Pro)

Gene: SMARCA1 (SNF2 related chromatin remodeling ATPase 1; minus strand). Cytogenetic location: Xq26.1.
Variant type: single nucleotide variant.
Coding change: c.548T>C on transcript NM_001282874.2 (MANE Select); coding-DNA position 548, T replaced by C.
Protein change: p.Leu183Pro; replaces leucine 183 with proline.
Molecular consequence: missense variant.
Genome position (GRCh38, 1-based): chrX:129,515,769, A>G on the plus strand (T>C on the coding strand, the complement: SMARCA1 is on the minus strand). VCF-style: chrX-129515769-A-G. GRCh37 (hg19) VCF-style: chrX-128649746-A-G.
Other names: c.548T>C, p.Leu183Pro (NM_001282875.2, NM_001378261.1, NM_001378262.1 and 3 more transcripts); short protein forms L183P.
Identifiers: ClinVar variation 4281967 (VCV004281967.2).

ClinVar aggregate classification (germline): Uncertain significance (1 of 4 stars; one submission).

Submission:

GeneDx
Classification: Uncertain significance. Last evaluated: 2025-11-20. Review status: criteria provided, single submitter. Criteria: GeneDx Variant Classification Process June 2021. Collection method: clinical testing. Allele origin: germline.
Comment: Not observed at significant frequency in large population cohorts (gnomAD); In silico analysis supports that this missense variant has a deleterious effect on protein structure/function; Has not been previously published as pathogenic or benign to our knowledge